The following is an entry in ClinVar:

ClinVar aggregate classification (germline): Pathogenic/Likely pathogenic. Review status: criteria provided, multiple submitters, no conflicts (2 of 4 stars). 3 submissions from 3 submitters: Pathogenic (1); Likely pathogenic (1). 1 of the submissions does not count toward it. Last evaluated 2025-04-16.

Conditions:
Methylmalonic aciduria, cblB type (MACB). Also called: Methylmalonic acidemia cblB type; METHYLMALONIC ACIDURIA, VITAMIN B12-RESPONSIVE, DUE TO DEFECT IN SYNTHESIS OF ADENOSYLCOBALAMIN, cblB TYPE; Vitamin B12-responsive methylmalonic acidemia type cblB. Identifiers: Orphanet 28, Orphanet 79311, MedGen C1855102, MONDO:0009614, OMIM 251110.

Submissions (3):

3billion
Classification: Likely pathogenic for Methylmalonic aciduria, cblB type. Last evaluated: 2025-04-16. Review status: criteria provided, single submitter. Criteria: ACMG Guidelines, 2015. Collection method: clinical testing. Allele origin: germline. Affected: yes.

Labcorp Genetics (formerly Invitae), Labcorp
Classification: Pathogenic for Methylmalonic aciduria, cblB type. Last evaluated: 2023-07-17. Review status: criteria provided, single submitter. Criteria: Invitae Variant Classification Sherloc (09022015). Collection method: clinical testing. Allele origin: germline.
Comment: This variant, c.563_577del, results in the deletion of 5 amino acid(s) of the MMAB protein (p.Val188_Ala192del), but otherwise preserves the integrity of the reading frame. This variant is not present in population databases (gnomAD no frequency). This variant has not been reported in the literature in individuals affected with MMAB-related conditions. ClinVar contains an entry for this variant (Variation ID: 1017834). This variant disrupts a region of the MMAB protein in which other variant(s) (p.Arg191Trp) have been determined to be pathogenic (PMID: 20556797, 23707710, 27591164, 30022420). This suggests that this is a clinically significant region of the protein, and that variants that disrupt it are likely to be disease-causing. For these reasons, this variant has been classified as Pathogenic.

Natera, Inc.
Classification: Uncertain significance for Methylmalonic aciduria cblB type. Last evaluated: 2021-07-06. Review status: no assertion criteria provided. Collection method: clinical testing. Allele origin: germline. Not counted in ClinVar's aggregate classification.

Literature cited by the submitters: PubMed 20556797 (cited by Labcorp Genetics (formerly Invitae), Labcorp); PubMed 23707710 (cited by Labcorp Genetics (formerly Invitae), Labcorp); PubMed 27591164 (cited by Labcorp Genetics (formerly Invitae), Labcorp); PubMed 30022420 (cited by Labcorp Genetics (formerly Invitae), Labcorp).

NM_052845.4(MMAB):c.563_577del (p.Val188_Ala192del)

Gene: MMAB (metabolism of cobalamin associated B; minus strand). Cytogenetic location: 12q24.11.
Variant type: Deletion.
Coding change: c.563_577del on transcript NM_052845.4 (MANE Select); coding-DNA positions 563 to 577, 15 bases deleted (TGTGCCGCCGGGCCG).
Protein change: p.Val188_Ala192del.
Molecular consequence: inframe deletion. On other transcripts: non-coding transcript variant (1).
Genome position (GRCh38, 1-based): chr12:109,561,047-109,561,061, CGGCCCGGCGGCACA deleted on the plus strand (TGTGCCGCCGGGCCG on the coding strand, the reverse complement: MMAB is on the minus strand); deleting any 15 consecutive bases within chr12:109,561,047-109,561,070 gives the same sequence; the c. name uses the placement nearest the transcript's 3' end. VCF-style (leftmost placement, unchanged base first): chr12-109561046-TCGGCCCGGCGGCACA-T. GRCh37 (hg19) VCF-style: chr12-109998851-TCGGCCCGGCGGCACA-T.
Identifiers: ClinVar variation 1017834 (VCV001017834.11), dbSNP rs1555274496, ClinGen allele CA2062448111.